The following is an entry in ClinVar:

NM_000540.3(RYR1):c.2588C>T (p.Pro863Leu)

Gene: RYR1 (ryanodine receptor 1; plus strand). Cytogenetic location: 19q13.2.
Variant type: single nucleotide variant.
Coding change: c.2588C>T on transcript NM_000540.3 (MANE Select); coding-DNA position 2588, C replaced by T.
Protein change: p.Pro863Leu; replaces proline 863 with leucine.
Molecular consequence: missense variant.
Genome position (GRCh38, 1-based): chr19:38,463,433, C>T. VCF-style: chr19-38463433-C-T. GRCh37 (hg19) VCF-style: chr19-38954073-C-T.
Other names: c.2588C>T, p.Pro863Leu (NM_001042723.2); short protein forms P863L.
Identifiers: ClinVar variation 967664 (VCV000967664.10), dbSNP rs145456934, ClinGen allele CA063554.

ClinVar aggregate classification (germline): Uncertain significance. Review status: criteria provided, multiple submitters, no conflicts (2 of 4 stars). 6 submissions from 6 submitters: Uncertain significance (6). Last evaluated 2026-05-04.

Conditions:
RYR1-related disorder. Also called: RYR1-related condition; RYR1-related disorders. Identifiers: MedGen CN239331.
Inborn genetic diseases. Identifiers: MedGen C0950123, MeSH D030342.
Malignant hyperthermia, susceptibility to, 1 (MHS1). Also called: Anesthesia related hyperthermia; Malignant hyperpyrexia; Fulminating hyperpyrexia; Pharmacogenic myopathy; Malignant hyperthermia suceptibility 1; RYR1-Related Malignant Hyperthermia Susceptibility. Identifiers: Orphanet 423, MedGen C2930980, MONDO:0007783, OMIM 145600.

Allele frequency attached by ClinVar (database versions not stated): gnomAD exomes 0.00008 and 0.00014; ExAC 0.00013; ESP Exome Variant Server 0.00015; gnomAD 0.00019; TOPMed 0.00019.
gnomAD v4.1: 142 of 1,613,890 alleles (0.0088%); highest among the groups gnomAD compares: Admixed American, 0.047%; no homozygotes.

Submissions (6):

Women's Health and Genetics/Laboratory Corporation of America, LabCorp
Classification: Uncertain significance. Last evaluated: 2026-05-04. Review status: criteria provided, single submitter. Criteria: LabCorp Variant Classification Summary - May 2015. Collection method: clinical testing. Allele origin: germline.
Comment: Variant summary: RYR1 c.2588C>T (p.Pro863Leu) results in a non-conservative amino acid change in the encoded protein sequence. Algorithms developed to predict the effect of missense changes on protein structure and function all suggest that this variant is likely to be disruptive. The variant allele was found at a frequency of 0.00014 in 250850 control chromosomes. This frequency is not significantly higher than estimated for disease-causing variants in RYR1, allowing no conclusion about variant significance. To our knowledge, no occurrence of c.2588C>T in individuals affected with RYR1-related conditions and no experimental evidence demonstrating its impact on protein function have been reported. ClinVar contains an entry for this variant (Variation ID: 967664). Based on the evidence outlined above, the variant was classified as uncertain significance.

All of Us Research Program, National Institutes of Health
Classification: Uncertain significance for Malignant hyperthermia, susceptibility to, 1. Last evaluated: 2024-09-27. Review status: criteria provided, single submitter. Criteria: ACMG Guidelines, 2015. Collection method: clinical testing. Allele origin: germline. Inheritance: Autosomal dominant inheritance. Observed: 16 variant alleles, 16 heterozygotes.
Comment: This missense variant replaces proline with leucine at codon 863 of the RYR1 protein. Computational prediction suggests that this variant may have deleterious impact on protein structure and function (internally defined REVEL score threshold >= 0.7, PMID: 27666373). To our knowledge, functional studies have not been reported for this variant. This variant has not been reported in individuals affected with RYR1-related disorders in the literature. This variant has been identified in 35/282206 chromosomes in the general population by the Genome Aggregation Database (gnomAD). The available evidence is insufficient to determine the role of this variant in disease conclusively. Therefore, this variant is classified as a Variant of Uncertain Significance.

This study involves interpretation of variants in research participants for the purpose of population health screening. Participant phenotype was not available at the time of variant classification. Additional details can be found in publication PMID: 35346344, PMCID: PMC8962531

Color Diagnostics, LLC DBA Color Health
Classification: Uncertain significance for Malignant hyperthermia, susceptibility to, 1. Last evaluated: 2024-03-28. Review status: criteria provided, single submitter. Criteria: ACMG Guidelines, 2015. Collection method: clinical testing. Allele origin: germline.
Comment: This missense variant replaces proline with leucine at codon 863 of the RYR1 protein. Computational prediction tool is inconclusive regarding the impact of this variant on protein structure and function. To our knowledge, functional studies have not been reported for this variant. This variant has not been reported in individuals affected with RYR1-related disorders in the literature. This variant has been identified in 35/282206 chromosomes in the general population by the Genome Aggregation Database (gnomAD). The available evidence is insufficient to determine the role of this variant in disease conclusively. Therefore, this variant is classified as a Variant of Uncertain Significance.

Labcorp Genetics (formerly Invitae), Labcorp
Classification: Uncertain significance for RYR1-related disorder. Last evaluated: 2022-10-25. Review status: criteria provided, single submitter. Criteria: Invitae Variant Classification Sherloc (09022015). Collection method: clinical testing. Allele origin: germline.
Comment: This sequence change replaces proline, which is neutral and non-polar, with leucine, which is neutral and non-polar, at codon 863 of the RYR1 protein (p.Pro863Leu). This variant is present in population databases (rs145456934, gnomAD 0.05%). This variant has not been reported in the literature in individuals affected with RYR1-related conditions. ClinVar contains an entry for this variant (Variation ID: 967664). Advanced modeling of protein sequence and biophysical properties (such as structural, functional, and spatial information, amino acid conservation, physicochemical variation, residue mobility, and thermodynamic stability) performed at Invitae indicates that this missense variant is expected to disrupt RYR1 protein function. In summary, the available evidence is currently insufficient to determine the role of this variant in disease. Therefore, it has been classified as a Variant of Uncertain Significance.

Blueprint Genetics
Classification: Uncertain significance. Last evaluated: 2022-01-28. Review status: criteria provided, single submitter. Criteria: ACMG Guidelines, 2015. Collection method: clinical testing. Allele origin: germline.

Ambry Genetics
Classification: Uncertain significance for Inborn genetic diseases. Last evaluated: 2021-09-01. Review status: criteria provided, single submitter. Criteria: Ambry Variant Classification Scheme 2023. Collection method: clinical testing. Allele origin: germline.